The following is an entry in ClinVar:

ClinVar aggregate classification (germline): Pathogenic/Likely pathogenic. Review status: criteria provided, multiple submitters, no conflicts (2 of 4 stars). 3 submissions from 3 submitters: Pathogenic (2); Likely pathogenic (1). Last evaluated 2026-03-30.

Conditions:
Renal tubular acidosis with progressive nerve deafness. Also called: RENAL TUBULAR ACIDOSIS, AUTOSOMAL RECESSIVE, WITH PROGRESSIVE NERVE DEAFNESS; RTA WITH PROGRESSIVE NERVE DEAFNESS; renal tubular acidosis, distal, 2, with progressive sensorineural hearing loss; Distal Renal Tubular Acidosis with Progressive Sensorineural Deafness. Identifiers: MedGen C0403554, MONDO:0009968, OMIM 267300.

Allele frequency attached by ClinVar (database versions not stated): TOPMed 0.00001.

Submissions (3):

Women's Health and Genetics/Laboratory Corporation of America, LabCorp
Classification: Pathogenic for Renal tubular acidosis with progressive nerve deafness. Last evaluated: 2026-03-30. Review status: criteria provided, single submitter. Criteria: LabCorp Variant Classification Summary - May 2015. Collection method: clinical testing. Allele origin: germline.
Comment: Variant summary: ATP6V1B1 c.235C>T (p.Gln79X) results in a premature termination codon, predicted to cause a truncation of the encoded protein or absence of the protein due to nonsense mediated decay, which are commonly known mechanisms for disease. The variant was absent in 250778 control chromosomes. To our knowledge, no occurrence of c.235C>T in individuals affected with ATP6V1B1-related conditions and no experimental evidence demonstrating its impact on protein function have been reported. ClinVar contains an entry for this variant (Variation ID: 852126). Based on the evidence outlined above, the variant was classified as pathogenic.

Natera, Inc.
Classification: Likely pathogenic for Renal tubular acidosis with progressive nerve deafness. Last evaluated: 2025-03-10. Review status: criteria provided, single submitter. Criteria: Natera Variant Classification Schema (03/2026). Collection method: clinical testing. Allele origin: germline.
Comment: The c.235C>T variant in ATP6V1B1 is a nonsense variant predicted to introduce a stop codon at amino acid 79. This variant is expected to result in nonsense mediated decay, truncation, or a dysfunctional protein product. This variant is rare in the general population with a frequency below the threshold expected for the associated phenotype(s). Given the available evidence, this variant is classified as Likely Pathogenic.

Labcorp Genetics (formerly Invitae), Labcorp
Classification: Pathogenic. Last evaluated: 2025-01-20. Review status: criteria provided, single submitter. Criteria: Invitae Variant Classification Sherloc (09022015). Collection method: clinical testing. Allele origin: germline.
Comment: This sequence change creates a premature translational stop signal (p.Gln79*) in the ATP6V1B1 gene. It is expected to result in an absent or disrupted protein product. Loss-of-function variants in ATP6V1B1 are known to be pathogenic (PMID: 9916796, 18368028). The frequency data for this variant in the population databases is considered unreliable, as metrics indicate poor data quality at this position in the gnomAD database. This variant has not been reported in the literature in individuals affected with ATP6V1B1-related conditions. ClinVar contains an entry for this variant (Variation ID: 852126). Algorithms developed to predict the effect of sequence changes on RNA splicing suggest that this variant may create or strengthen a splice site. For these reasons, this variant has been classified as Pathogenic.

Literature cited by the submitters: PubMed 9916796 (cited by Labcorp Genetics (formerly Invitae), Labcorp); PubMed 18368028 (cited by Labcorp Genetics (formerly Invitae), Labcorp).

NM_001692.4(ATP6V1B1):c.235C>T (p.Gln79Ter)

Gene: ATP6V1B1 (ATPase H+ transporting V1 subunit B1; plus strand). Cytogenetic location: 2p13.3.
Variant type: single nucleotide variant.
Coding change: c.235C>T on transcript NM_001692.4 (MANE Select); coding-DNA position 235, C replaced by T.
Protein change: p.Gln79Ter; replaces glutamine 79 with a stop codon.
Molecular consequence: nonsense.
Genome position (GRCh38, 1-based): chr2:70,958,106, C>T. VCF-style: chr2-70958106-C-T. GRCh37 (hg19) VCF-style: chr2-71185236-C-T.
Other names: short protein forms Q79*.
Identifiers: ClinVar variation 852126 (VCV000852126.10), dbSNP rs140341636, ClinGen allele CA347180712.